The following is an entry in ClinVar:

ClinVar aggregate classification (germline): Uncertain significance (1 of 4 stars; one submission).

Conditions:
Dihydropteridine reductase deficiency (HPABH4C). Also called: Hyperphenylalaninemia due to dihydropteridine reductase deficiency; Hyperphenylalaninemia, BH-4-deficient, C; Phenylketonuria type 2; Phenylketonuria II; BH4-Deficient Hyperphenylalaninemia C; HYPERPHENYLALANINEMIA, TETRAHYDROBIOPTERIN-DEFICIENT, DUE TO DHPR DEFICIENCY. Identifiers: Orphanet 226, Orphanet 238583, MedGen C0268465, MONDO:0009862, OMIM 261630.

Allele frequency attached by ClinVar (database versions not stated): TOPMed 0.00037; gnomAD 0.00047 and 0.00045; gnomAD exomes 0.00009 and 0.00003; ESP Exome Variant Server 0.00031; 1000 Genomes Project 0.00040; ExAC 0.00016; 1000 Genomes Project 30x 0.00031.
gnomAD v4.1: 117 of 1,614,026 alleles (0.0072%); highest among the groups gnomAD compares: African/African-American, 0.13%; no homozygotes.

Submission:

Labcorp Genetics (formerly Invitae), Labcorp
Classification: Uncertain significance for Dihydropteridine reductase deficiency. Last evaluated: 2022-09-23. Review status: criteria provided, single submitter. Criteria: Invitae Variant Classification Sherloc (09022015). Collection method: clinical testing. Allele origin: germline.
Comment: This sequence change replaces alanine, which is neutral and non-polar, with threonine, which is neutral and polar, at codon 50 of the QDPR protein (p.Ala50Thr). This variant is present in population databases (rs143937910, gnomAD 0.1%). This variant has not been reported in the literature in individuals affected with QDPR-related conditions. ClinVar contains an entry for this variant (Variation ID: 574275). Algorithms developed to predict the effect of missense changes on protein structure and function are either unavailable or do not agree on the potential impact of this missense change (SIFT: "Tolerated"; PolyPhen-2: "Possibly Damaging"; Align-GVGD: "Class C0"). In summary, the available evidence is currently insufficient to determine the role of this variant in disease. Therefore, it has been classified as a Variant of Uncertain Significance.

NM_000320.3(QDPR):c.148G>A (p.Ala50Thr)

Gene: QDPR (quinoid dihydropteridine reductase; minus strand). Cytogenetic location: 4p15.32.
Variant type: single nucleotide variant.
Coding change: c.148G>A on transcript NM_000320.3 (MANE Select); coding-DNA position 148, G replaced by A.
Protein change: p.Ala50Thr; replaces alanine 50 with threonine.
Molecular consequence: missense variant. On other transcripts: non-coding transcript variant (1), intron variant (1).
Genome position (GRCh38, 1-based): chr4:17,509,321, C>T on the plus strand (G>A on the coding strand, the complement: QDPR is on the minus strand). VCF-style: chr4-17509321-C-T. GRCh37 (hg19) VCF-style: chr4-17510944-C-T.
Other names: c.105+2629G>A (NM_001306140.2); short protein forms A50T.
Identifiers: ClinVar variation 574275 (VCV000574275.4), dbSNP rs143937910, ClinGen allele CA2868208.
Genomic context (GRCh38, chr4:17,509,321, plus strand): 5'-TTGAAACTACCTGGTCAGCCTGCTCAGTGAACGAGTCTGTCATTTTAACAATGATGCTAG[C>T]GCTGGCCTCTTCATTCTCCACCACATCAACGCTGGCAACCCACTGGAAGGAGAAAACAGC-3'
Protein context (NP_000311.2, residues 40-60): VDVVENEEAS[Ala50Thr]SIIVKMTDSF